The following is an entry in ClinVar:

NM_001303052.2(MYT1L):c.2059C>A (p.Pro687Thr)

Gene: MYT1L (myelin transcription factor 1 like; minus strand). Cytogenetic location: 2p25.3.
Variant type: single nucleotide variant.
Coding change: c.2059C>A on transcript NM_001303052.2 (MANE Select); coding-DNA position 2059, C replaced by A.
Protein change: p.Pro687Thr; replaces proline 687 with threonine.
Molecular consequence: missense variant.
Genome position (GRCh38, 1-based): chr2:1,892,261, G>T on the plus strand (C>A on the coding strand, the complement: MYT1L is on the minus strand). VCF-style: chr2-1892261-G-T. GRCh37 (hg19) VCF-style: chr2-1896033-G-T.
Other names: c.2059C>A, p.Pro687Thr (NM_001329844.2, NM_001329845.1, NM_001329851.3); c.2053C>A, p.Pro685Thr (NM_001329846.3, NM_001329847.2, NM_001329848.1 and 3 more transcripts); short protein forms P685T, P687T.
Identifiers: ClinVar variation 3764182 (VCV003764182.2).
Genomic context (GRCh38, chr2:1,892,261, plus strand): 5'-CGCCGCAGCTCAGGTTGCTGCTGCTGCTGGGCGCGTAGCTGCTGGTGCTGCTGCTGCTGG[G>T]GCTGGGGTCCTTGCAGTACCGCTTCGCTGGGGAGACAGGGACAGGGATGACTCAGGCCCC-3'
Protein context (NP_001289981.1, residues 677-697): DAKRYCKDPS[Pro687Thr]SSSSTSSYAP

ClinVar aggregate classification (germline): Likely pathogenic (1 of 4 stars; one submission).

Submission:

GeneDx
Classification: Likely pathogenic. Last evaluated: 2026-03-06. Review status: criteria provided, single submitter. Criteria: GeneDx Variant Classification Process June 2021. Collection method: clinical testing. Allele origin: germline.
Comment: Not observed at significant frequency in large population cohorts (gnomAD); In silico analysis suggests that this missense variant does not alter protein structure/function; This variant is associated with the following publications: (PMID: 35982159, 33057194)